The following is an entry in ClinVar:

NM_002661.5(PLCG2):c.1934+4C>T

Gene: PLCG2 (phospholipase C gamma 2; plus strand). Cytogenetic location: 16q23.3.
Variant type: single nucleotide variant.
Coding change: c.1934+4C>T on transcript NM_002661.5 (MANE Select); 4 bases into the intron after coding-DNA position 1934, C replaced by T.
Molecular consequence: intron variant.
Genome position (GRCh38, 1-based): chr16:81,910,724, C>T. VCF-style: chr16-81910724-C-T. GRCh37 (hg19) VCF-style: chr16-81944329-C-T.
Other names: p.?.
Identifiers: ClinVar variation 575238 (VCV000575238.14), dbSNP rs370532346, ClinGen allele CA8193987.

ClinVar aggregate classification (germline): Conflicting classifications of pathogenicity. Review status: criteria provided, conflicting classifications (1 of 4 stars). 3 submissions from 3 submitters: Uncertain significance (1); Likely benign (2). Last evaluated 2025-12-15.

Conditions:
Familial cold autoinflammatory syndrome 3 (FCAS3). Also called: ANTIBODY DEFICIENCY AND IMMUNE DYSREGULATION, PLCG2-ASSOCIATED; FAMILIAL ATYPICAL COLD URTICARIA. Identifiers: Orphanet 300359, MedGen C3280914, MONDO:0013766, OMIM 614468.

Allele frequency attached by ClinVar (database versions not stated): ExAC 0.00004; gnomAD exomes 0.00005; TOPMed 0.00008; gnomAD 0.00009 and 0.00010; ESP Exome Variant Server 0.00016.
gnomAD v4.1: 196 of 1,606,328 alleles (0.012%); highest among the groups gnomAD compares: Middle Eastern, 0.066%; no homozygotes.

Submissions (3):

Labcorp Genetics (formerly Invitae), Labcorp
Classification: Uncertain significance for Familial cold autoinflammatory syndrome 3. Last evaluated: 2025-12-15. Review status: criteria provided, single submitter. Criteria: Invitae Variant Classification Sherloc (09022015). Collection method: clinical testing. Allele origin: germline.
Comment: This sequence change falls in intron 18 of the PLCG2 gene. It does not directly change the encoded amino acid sequence of the PLCG2 protein. It affects a nucleotide within the consensus splice site. This variant is present in population databases (rs370532346, gnomAD 0.01%). This variant has not been reported in the literature in individuals affected with PLCG2-related conditions. ClinVar contains an entry for this variant (Variation ID: 575238). Variants that disrupt the consensus splice site are a relatively common cause of aberrant splicing (PMID: 17576681, 9536098). Algorithms developed to predict the effect of sequence changes on RNA splicing suggest that this variant is not likely to affect RNA splicing. In summary, the available evidence is currently insufficient to determine the role of this variant in disease. Therefore, it has been classified as a Variant of Uncertain Significance.

CeGaT Center for Human Genetics Tuebingen
Classification: Likely benign. Last evaluated: 2025-11-01. Review status: criteria provided, single submitter. Criteria: CeGaT Center For Human Genetics Tuebingen Variant Classification Criteria Version 2. Collection method: clinical testing. Allele origin: germline. Affected: yes. Observed: 1 variant allele.
Comment: PLCG2: BP4, BS2

Mayo Clinic Laboratories, Mayo Clinic
Classification: Likely benign. Last evaluated: 2025-06-05. Review status: criteria provided, single submitter. Criteria: ACMG Guidelines, 2015. Collection method: clinical testing. Allele origin: germline. Observed: 1 variant allele.
Comment: BP4, BP7

Literature cited by the submitters: PubMed 17576681 (cited by Labcorp Genetics (formerly Invitae), Labcorp); PubMed 9536098 (cited by Labcorp Genetics (formerly Invitae), Labcorp).